The following is an entry in ClinVar:

NM_002361.4(MAG):c.1292T>A (p.Leu431Gln)

Gene: MAG (myelin associated glycoprotein; plus strand). Cytogenetic location: 19q13.12.
Variant type: single nucleotide variant.
Coding change: c.1292T>A on transcript NM_002361.4 (MANE Select); coding-DNA position 1292, T replaced by A.
Protein change: p.Leu431Gln; replaces leucine 431 with glutamine.
Molecular consequence: missense variant.
Genome position (GRCh38, 1-based): chr19:35,309,934, T>A. VCF-style: chr19-35309934-T-A. GRCh37 (hg19) VCF-style: chr19-35800837-T-A.
Other names: c.1217T>A, p.Leu406Gln (NM_001199216.2); c.1292T>A, p.Leu431Gln (NM_080600.3); c.1292T>A (NM_002361.3); short protein forms L431Q, L406Q.
Identifiers: ClinVar variation 1509810 (VCV001509810.6), dbSNP rs199969989, ClinGen allele CA9376235.

ClinVar aggregate classification (germline): Uncertain significance. Review status: criteria provided, multiple submitters, no conflicts (2 of 4 stars). 3 submissions from 3 submitters: Uncertain significance (3). Last evaluated 2025-04-02.

Conditions:
Inborn genetic diseases. Identifiers: MedGen C0950123, MeSH D030342.
Hereditary spastic paraplegia 75. Also called: Spastic paraplegia 75, autosomal recessive. Identifiers: Orphanet 459056, MedGen C4225250, MONDO:0014729, OMIM 616680.

Allele frequency attached by ClinVar (database versions not stated): TOPMed 0.00008; ExAC 0.00009; gnomAD exomes 0.00011 and 0.00013; gnomAD 0.00011 and 0.00010.
gnomAD v4.1: 168 of 1,613,778 alleles (0.01%); highest among the groups gnomAD compares: Admixed American, 0.012%; no homozygotes.

Submissions (3):

Ambry Genetics
Classification: Uncertain significance for Inborn genetic diseases. Last evaluated: 2025-04-02. Review status: criteria provided, single submitter. Criteria: Ambry Variant Classification Scheme 2023. Collection method: clinical testing. Allele origin: germline.

Women's Health and Genetics/Laboratory Corporation of America, LabCorp
Classification: Uncertain significance. Last evaluated: 2023-12-15. Review status: criteria provided, single submitter. Criteria: LabCorp Variant Classification Summary - May 2015. Collection method: clinical testing. Allele origin: germline.
Comment: Variant summary: MAG c.1292T>A (p.Leu431Gln) results in a non-conservative amino acid change in the encoded protein sequence. Three of five in-silico tools predict a damaging effect of the variant on protein function. The variant allele was found at a frequency of 0.00013 in 249678 control chromosomes. This frequency is not significantly higher than estimated for a pathogenic variant in MAG causing Hereditary Spastic Paraplegia 75, allowing no conclusion about variant significance. To our knowledge, no occurrence of c.1292T>A in individuals affected with Hereditary Spastic Paraplegia 75 and no experimental evidence demonstrating its impact on protein function have been reported. Two submitters have cited clinical-significance assessments for this variant to ClinVar after 2014,and both submitters classified the variant as uncertain significance. Based on the evidence outlined above, the variant was classified as uncertain significance.

Labcorp Genetics (formerly Invitae), Labcorp
Classification: Uncertain significance for Hereditary spastic paraplegia 75. Last evaluated: 2022-06-27. Review status: criteria provided, single submitter. Criteria: Invitae Variant Classification Sherloc (09022015). Collection method: clinical testing. Allele origin: germline.
Comment: This sequence change replaces leucine, which is neutral and non-polar, with glutamine, which is neutral and polar, at codon 431 of the MAG protein (p.Leu431Gln). This variant is present in population databases (rs199969989, gnomAD 0.04%). This variant has not been reported in the literature in individuals affected with MAG-related conditions. Algorithms developed to predict the effect of missense changes on protein structure and function are either unavailable or do not agree on the potential impact of this missense change (SIFT: "Deleterious"; PolyPhen-2: "Possibly Damaging"; Align-GVGD: "Class C0"). In summary, the available evidence is currently insufficient to determine the role of this variant in disease. Therefore, it has been classified as a Variant of Uncertain Significance.